The following is an entry in ClinVar:

ClinVar aggregate classification (germline): Likely benign. Review status: criteria provided, multiple submitters, no conflicts (2 of 4 stars). 7 submissions from 7 submitters: Likely benign (6). 1 of the submissions does not count toward it. Last evaluated 2025-12-01.

Conditions:
Marfan syndrome (MFS). Also called: MARFAN SYNDROME, TYPE I; Marfan syndrome type 1; Marfan's syndrome; Marfan syndrome, classic; FBN1-Related Marfan Syndrome. Identifiers: Orphanet 284963, Orphanet 558, MedGen C0024796, MONDO:0007947, OMIM 154700.
FBN1-related disorder. Also called: FBN1-related disorders.
Familial thoracic aortic aneurysm and aortic dissection (TAAD). Also called: Thoracic aortic aneurysms and dissections. Identifiers: Orphanet 91387, MedGen C4707243, MONDO:0019625.

Allele frequency attached by ClinVar (database versions not stated): gnomAD 0.00001; gnomAD exomes 0.00001; TOPMed 0.00001.
gnomAD v4.1: 18 of 1,613,986 alleles (0.0011%); highest among the groups gnomAD compares: Middle Eastern, 0.016%; no homozygotes.

Submissions (7):

CeGaT Center for Human Genetics Tuebingen
Classification: Likely benign. Last evaluated: 2025-12-01. Review status: criteria provided, single submitter. Criteria: CeGaT Center For Human Genetics Tuebingen Variant Classification Criteria Version 2. Collection method: clinical testing. Allele origin: germline. Affected: yes. Observed: 3 variant alleles.
Comment: FBN1: BP4, BP7

Labcorp Genetics (formerly Invitae), Labcorp
Classification: Likely benign for Marfan syndrome; Familial thoracic aortic aneurysm and aortic dissection. Last evaluated: 2025-10-01. Review status: criteria provided, single submitter. Criteria: Invitae Variant Classification Sherloc (09022015). Collection method: clinical testing. Allele origin: germline.

Ambry Genetics
Classification: Likely benign for Familial thoracic aortic aneurysm and aortic dissection. Last evaluated: 2024-05-05. Review status: criteria provided, single submitter. Criteria: Ambry Variant Classification Scheme 2023. Collection method: clinical testing. Allele origin: germline.

All of Us Research Program, National Institutes of Health
Classification: Likely benign for Marfan syndrome. Last evaluated: 2023-11-30. Review status: criteria provided, single submitter. Criteria: ACMG Guidelines, 2015. Collection method: clinical testing. Allele origin: germline. Inheritance: Autosomal dominant inheritance. Observed: 2 variant alleles, 2 heterozygotes.
Comment: This study involves interpretation of variants in research participants for the purpose of population health screening. Participant phenotype was not available at the time of variant classification. Additional details can be found in publication PMID: 35346344, PMCID: PMC8962531

Blueprint Genetics
Classification: Likely benign. Last evaluated: 2023-05-04. Review status: criteria provided, single submitter. Criteria: ACMG Guidelines, 2015. Collection method: clinical testing. Allele origin: germline.

Color Diagnostics, LLC DBA Color Health
Classification: Likely benign for Familial thoracic aortic aneurysm and aortic dissection. Last evaluated: 2019-09-09. Review status: criteria provided, single submitter. Criteria: ACMG Guidelines, 2015. Collection method: clinical testing. Allele origin: germline.

PreventionGenetics, part of Exact Sciences
Classification: Likely benign for FBN1-related condition. Last evaluated: 2022-12-17. Review status: no assertion criteria provided. Collection method: clinical testing. Allele origin: germline. Not counted in ClinVar's aggregate classification.
Comment: This variant is classified as likely benign based on ACMG/AMP sequence variant interpretation guidelines (Richards et al. 2015 PMID: 25741868, with internal and published modifications).

NM_000138.5(FBN1):c.7083G>A (p.Ser2361=)

Gene: FBN1 (fibrillin 1; minus strand). Cytogenetic location: 15q21.1.
Variant type: single nucleotide variant.
Coding change: c.7083G>A on transcript NM_000138.5 (MANE Select); coding-DNA position 7083, G replaced by A.
Protein change: p.Ser2361=; no amino-acid change (serine 2361 retained).
Molecular consequence: synonymous variant.
Genome position (GRCh38, 1-based): chr15:48,427,688, C>T on the plus strand (G>A on the coding strand, the complement: FBN1 is on the minus strand). VCF-style: chr15-48427688-C-T. GRCh37 (hg19) VCF-style: chr15-48719885-C-T.
Identifiers: ClinVar variation 643581 (VCV000643581.40), dbSNP rs1597517953, ClinGen allele CA490017644.